The following is an entry in ClinVar:

ClinVar aggregate classification (germline): Uncertain significance (1 of 4 stars; one submission).

Conditions:
Hereditary nonpolyposis colorectal neoplasms. Identifiers: MedGen C0009405, MeSH D003123.

Submission:

Labcorp Genetics (formerly Invitae), Labcorp
Classification: Uncertain significance for Hereditary nonpolyposis colorectal neoplasms. Last evaluated: 2022-06-17. Review status: criteria provided, single submitter. Criteria: Invitae Variant Classification Sherloc (09022015). Collection method: clinical testing. Allele origin: germline.
Comment: Advanced modeling of protein sequence and biophysical properties (such as structural, functional, and spatial information, amino acid conservation, physicochemical variation, residue mobility, and thermodynamic stability) performed at Invitae indicates that this missense variant is not expected to disrupt MSH6 protein function. In summary, the available evidence is currently insufficient to determine the role of this variant in disease. Therefore, it has been classified as a Variant of Uncertain Significance. Algorithms developed to predict the effect of sequence changes on RNA splicing suggest that this variant may create or strengthen a splice site. ClinVar contains an entry for this variant (Variation ID: 840954). This missense change has been observed in individual(s) with colorectal cancer (PMID: 19697156). This variant is not present in population databases (gnomAD no frequency). This sequence change replaces alanine, which is neutral and non-polar, with valine, which is neutral and non-polar, at codon 1339 of the MSH6 protein (p.Ala1339Val).

Literature cited by the submitters: PubMed 19697156.

NM_000179.3(MSH6):c.4016C>T (p.Ala1339Val)

Gene: MSH6 (mutS homolog 6; plus strand). Cytogenetic location: 2p16.3.
Variant type: single nucleotide variant.
Coding change: c.4016C>T on transcript NM_000179.3 (MANE Select); coding-DNA position 4016, C replaced by T.
Protein change: p.Ala1339Val; replaces alanine 1339 with valine.
Molecular consequence: missense variant.
Genome position (GRCh38, 1-based): chr2:47,806,793, C>T. VCF-style: chr2-47806793-C-T. GRCh37 (hg19) VCF-style: chr2-48033932-C-T.
Other names: c.3626C>T, p.Ala1209Val (NM_001281492.2); c.3110C>T, p.Ala1037Val (NM_001281493.2, NM_001281494.2); short protein forms A1209V, A1037V, A1339V.
Identifiers: ClinVar variation 840954 (VCV000840954.9), dbSNP rs528399386, ClinGen allele CA346761649.
Genomic context (GRCh38, chr2:47,806,793, plus strand): 5'-TATGAAAAAACAAAAAAACTTTTTTTTTTTTTTTTTTAATTTTAAGGGAAGTTTGCCTGG[C>T]TAGTGAAAGGTCAACTGTAGATGCTGAAGCTGTCCATAAATTGCTGACTTTGATTAAGGA-3'
Protein context (NP_000170.1, residues 1329-1349): SLRLFREVCL[Ala1339Val]SERSTVDAEA